The following is an entry in ClinVar:

ClinVar aggregate classification (germline): Uncertain significance (1 of 4 stars; one submission).

Conditions:
Hereditary nonpolyposis colorectal neoplasms. Identifiers: MedGen C0009405, MeSH D003123.

Submission:

Labcorp Genetics (formerly Invitae), Labcorp
Classification: Uncertain significance for Hereditary nonpolyposis colorectal neoplasms. Last evaluated: 2025-08-13. Review status: criteria provided, single submitter. Criteria: Invitae Variant Classification Sherloc (09022015). Collection method: clinical testing. Allele origin: germline.
Comment: This sequence change falls in intron 13 of the PMS2 gene. It does not directly change the encoded amino acid sequence of the PMS2 protein. The frequency data for this variant in the population databases (gnomAD) is considered unreliable due to the presence of homologous sequence, such as pseudogenes or paralogs, in the genome. This variant has not been reported in the literature in individuals affected with PMS2-related conditions. ClinVar contains an entry for this variant (Variation ID: 2195548). Algorithms developed to predict the effect of sequence changes on RNA splicing suggest that this variant may disrupt the consensus splice site. In summary, the available evidence is currently insufficient to determine the role of this variant in disease. Therefore, it has been classified as a Variant of Uncertain Significance.

NM_000535.7(PMS2):c.2276-16A>G

Gene: PMS2 (PMS1 homolog 2, mismatch repair system component; minus strand). Cytogenetic location: 7p22.1.
Variant type: single nucleotide variant.
Coding change: c.2276-16A>G on transcript NM_000535.7 (MANE Select); 16 bases into the intron before coding-DNA position 2276, A replaced by G.
Molecular consequence: intron variant. On other transcripts: missense variant (7).
Genome position (GRCh38, 1-based): chr7:5,977,773, T>C on the plus strand (A>G on the coding strand, the complement: PMS2 is on the minus strand). VCF-style: chr7-5977773-T-C. GRCh37 (hg19) VCF-style: chr7-6017404-T-C.
Other names: c.1888A>G, p.Asn630Asp (NM_001322009.2, NM_001406887.1, NM_001406888.1); c.2293A>G, p.Asn765Asp (NM_001322014.2); c.2137A>G, p.Asn713Asp (NM_001406870.1); c.1984A>G, p.Asn662Asp (NM_001406875.1); c.1975A>G, p.Asn659Asp (NM_001406876.1); c.1958-16A>G (NM_001322008.2, NM_001322007.2); c.1715-16A>G (NM_001322010.2); c.1871-16A>G (NM_001322004.2, NM_001322003.2, NM_001322005.2); and 4 more; short protein forms N630D, N713D, N662D, N659D, N765D.
Identifiers: ClinVar variation 2195548 (VCV002195548.3), dbSNP rs2535344901, ClinGen allele CA2580076814.